The following is an entry in ClinVar:

NM_001939.3(DRP2):c.2599C>T (p.Leu867=)

Gene: DRP2 (dystrophin related protein 2; plus strand). Cytogenetic location: Xq22.1.
Variant type: single nucleotide variant.
Coding change: c.2599C>T on transcript NM_001939.3 (MANE Select); coding-DNA position 2599, C replaced by T.
Protein change: p.Leu867=; no amino-acid change (leucine 867 retained).
Molecular consequence: synonymous variant.
Genome position (GRCh38, 1-based): chrX:101,258,517, C>T. VCF-style: chrX-101258517-C-T. GRCh37 (hg19) VCF-style: chrX-100513506-C-T.
Other names: c.2365C>T, p.Leu789= (NM_001171184.2).
Identifiers: ClinVar variation 727175 (VCV000727175.11), dbSNP rs138212456, ClinGen allele CA10472495.

ClinVar aggregate classification (germline): Benign/Likely benign. Review status: criteria provided, multiple submitters, no conflicts (2 of 4 stars). 2 submissions from 2 submitters: Benign (1); Likely benign (1). Last evaluated 2026-08-21.

Conditions:
DRP2-related disorder. Also called: DRP2-related condition.

Allele frequency attached by ClinVar (database versions not stated): gnomAD exomes 0.00041 and 0.00095; 1000 Genomes Project 0.00159; TOPMed 0.00274; ESP Exome Variant Server 0.00294; 1000 Genomes Project 30x 0.00312; gnomAD 0.00235 and 0.00250; ExAC 0.00252.
gnomAD v4.1: 706 of 1,182,186 alleles (0.06%); highest among the groups gnomAD compares: African/African-American, 0.85%; no homozygotes.

Submissions (2):

PreventionGenetics, part of Exact Sciences
Classification: Likely benign for DRP2-related condition. Last evaluated: 2026-08-21. Review status: criteria provided, single submitter. Criteria: ACMG Guidelines, 2015. Collection method: clinical testing. Allele origin: germline.
Comment: This variant is classified as likely benign based on ACMG/AMP sequence variant interpretation guidelines (Richards et al. 2015 PMID: 25741868, with internal and published modifications).

Labcorp Genetics (formerly Invitae), Labcorp
Classification: Benign. Last evaluated: 2025-12-30. Review status: criteria provided, single submitter. Criteria: Invitae Variant Classification Sherloc (09022015). Collection method: clinical testing. Allele origin: germline.